The following is an entry in ClinVar:

ClinVar aggregate classification (germline): Likely pathogenic (1 of 4 stars; one submission).

Conditions:
Achondrogenesis, type IB (ACG1B). Also called: Achondrogenesis Type 1B. Identifiers: Orphanet 932, Orphanet 93298, MedGen C0265274, MONDO:0010966, OMIM 600972.
Diastrophic dysplasia (DTD). Also called: Diastrophic dwarfism. Identifiers: Orphanet 628, MedGen C0220726, MONDO:0009107, OMIM 222600.
Multiple epiphyseal dysplasia type 4 (EDM4). Also called: SLC26A2-Related Multiple Epiphyseal Dysplasia; Multiple Epiphyseal Dysplasia, Recessive; MULTIPLE EPIPHYSEAL DYSPLASIA WITH BILAYERED PATELLAE; MULTIPLE EPIPHYSEAL DYSPLASIA WITH CLUBFOOT; MULTIPLE EPIPHYSEAL DYSPLASIA, AUTOSOMAL RECESSIVE. Identifiers: Orphanet 93307, MedGen C1847593, MONDO:0009189, OMIM 226900.
Atelosteogenesis type II (AO2). Also called: NEONATAL OSSEOUS DYSPLASIA I; Neonatal osseous dysplasia 1; SLC26A2-Related Atelosteogenesis. Identifiers: Orphanet 56304, MedGen C1850554, MONDO:0009727, OMIM 256050.

Allele frequency attached by ClinVar (database versions not stated): gnomAD exomes below 0.00001.
gnomAD v4.1: 1 of 1,614,102 alleles (0.000062%); highest among the groups gnomAD compares: South Asian, 0.0011%; no homozygotes.

Submission:

Labcorp Genetics (formerly Invitae), Labcorp
Classification: Likely pathogenic for Atelosteogenesis type II; Multiple epiphyseal dysplasia type 4; Achondrogenesis, type IB; Diastrophic dysplasia. Last evaluated: 2021-04-04. Review status: criteria provided, single submitter. Criteria: Invitae Variant Classification Sherloc (09022015). Collection method: clinical testing. Allele origin: germline.
Comment: In summary, the currently available evidence indicates that the variant is pathogenic, but additional data are needed to prove that conclusively. Therefore, this variant has been classified as Likely Pathogenic. This variant disrupts the p.Ala715 amino acid residue in SLC26A2. Other variant(s) that disrupt this residue have been determined to be pathogenic (PMID: 21077204, 8571951, 21922596, 15294877, 11448940). This suggests that this residue is clinically significant, and that variants that disrupt this residue are likely to be disease-causing. This variant has not been reported in the literature in individuals with SLC26A2-related conditions. This variant is not present in population databases (ExAC no frequency). This sequence change creates a premature translational stop signal (p.Trp515*) in the SLC26A2 gene. While this is not anticipated to result in nonsense mediated decay, it is expected to disrupt the last 225 amino acid(s) of the SLC26A2 protein.

Literature cited by the submitters: PubMed 21077204; PubMed 8571951; PubMed 21922596; PubMed 15294877; PubMed 11448940.

NM_000112.4(SLC26A2):c.1544G>A (p.Trp515Ter)

Gene: SLC26A2 (solute carrier family 26 member 2; plus strand). Cytogenetic location: 5q32.
Variant type: single nucleotide variant.
Coding change: c.1544G>A on transcript NM_000112.4 (MANE Select); coding-DNA position 1544, G replaced by A.
Protein change: p.Trp515Ter; replaces tryptophan 515 with a stop codon.
Molecular consequence: nonsense.
Genome position (GRCh38, 1-based): chr5:149,981,137, G>A. VCF-style: chr5-149981137-G-A. GRCh37 (hg19) VCF-style: chr5-149360700-G-A.
Other names: short protein forms W515*.
Identifiers: ClinVar variation 1473798 (VCV001473798.8), dbSNP rs2113698870, ClinGen allele CA361708095.